The following is an entry in ClinVar:

ClinVar aggregate classification (germline): Conflicting classifications of pathogenicity. Review status: criteria provided, conflicting classifications (1 of 4 stars). 6 submissions from 6 submitters: Uncertain significance (5); Likely benign (1). Last evaluated 2025-12-10.

Conditions:
Hereditary cancer-predisposing syndrome. Also called: Tumor predisposition; Hereditary neoplastic syndrome; Neoplastic Syndromes, Hereditary; Hereditary Cancer Syndrome. Identifiers: Orphanet 140162, MedGen C0027672, MeSH D009386, MONDO:0015356.
Neurofibromatosis, type 2 (SWNV). Also called: NF2-Related Schwannomatosis; BILATERAL ACOUSTIC NEUROFIBROMATOSIS; SCHWANNOMATOSIS, VESTIBULAR. Identifiers: Orphanet 637, MedGen C0027832, MONDO:0007039, OMIM 101000. Disease mechanism: loss of function.

Allele frequency attached by ClinVar (database versions not stated): TOPMed below 0.00001; ExAC 0.00001; gnomAD 0.00001; gnomAD exomes 0.00001.
gnomAD v4.1: 15 of 1,614,034 alleles (0.00093%); highest among the groups gnomAD compares: African/African-American, 0.0013%; no homozygotes.

Submissions (6):

Labcorp Genetics (formerly Invitae), Labcorp
Classification: Uncertain significance for Neurofibromatosis, type 2. Last evaluated: 2025-12-10. Review status: criteria provided, single submitter. Criteria: Invitae Variant Classification Sherloc (09022015). Collection method: clinical testing. Allele origin: germline.
Comment: This sequence change replaces tyrosine, which is neutral and polar, with asparagine, which is neutral and polar, at codon 66 of the NF2 protein (p.Tyr66Asn). This variant is present in population databases (rs772274240, gnomAD 0.004%). This variant has not been reported in the literature in individuals affected with NF2-related conditions. ClinVar contains an entry for this variant (Variation ID: 527688). Invitae Evidence Modeling of protein sequence and biophysical properties (such as structural, functional, and spatial information, amino acid conservation, physicochemical variation, residue mobility, and thermodynamic stability) indicates that this missense variant is expected to disrupt NF2 protein function with a positive predictive value of 80%. In summary, the available evidence is currently insufficient to determine the role of this variant in disease. Therefore, it has been classified as a Variant of Uncertain Significance.

All of Us Research Program, National Institutes of Health
Classification: Uncertain significance for Neurofibromatosis, type 2. Last evaluated: 2024-04-25. Review status: criteria provided, single submitter. Criteria: ACMG Guidelines, 2015. Collection method: clinical testing. Allele origin: germline. Inheritance: Autosomal dominant inheritance. Observed: 1 variant allele, 1 heterozygote.
Comment: This missense variant replaces tyrosine with asparagine at codon 66 of the NF2 protein. Computational prediction suggests that this variant may have deleterious impact on protein structure and function. To our knowledge, functional studies have not been reported for this variant. This variant has not been reported in individuals affected with NF2-related disorders in the literature. This variant has been identified in 4/282878 chromosomes in the general population by the Genome Aggregation Database (gnomAD). The available evidence is insufficient to determine the role of this variant in disease conclusively. Therefore, this variant is classified as a Variant of Uncertain Significance.

This study involves interpretation of variants in research participants for the purpose of population health screening. Participant phenotype was not available at the time of variant classification. Additional details can be found in publication PMID: 35346344, PMCID: PMC8962531

Color Diagnostics, LLC DBA Color Health
Classification: Uncertain significance for Neurofibromatosis, type 2. Last evaluated: 2024-04-11. Review status: criteria provided, single submitter. Criteria: ACMG Guidelines, 2015. Collection method: clinical testing. Allele origin: germline.
Comment: This missense variant replaces tyrosine with asparagine at codon 66 of the NF2 protein. Computational prediction suggests that this variant may have deleterious impact on protein structure and function. To our knowledge, functional studies have not been reported for this variant. This variant has not been reported in individuals affected with NF2-related disorders in the literature. This variant has been identified in 4/282878 chromosomes in the general population by the Genome Aggregation Database (gnomAD). The available evidence is insufficient to determine the role of this variant in disease conclusively. Therefore, this variant is classified as a Variant of Uncertain Significance.

Ambry Genetics
Classification: Likely benign for Hereditary cancer-predisposing syndrome. Last evaluated: 2023-09-21. Review status: criteria provided, single submitter. Criteria: Ambry Variant Classification Scheme 2023. Collection method: clinical testing. Allele origin: germline.

GeneDx
Classification: Uncertain significance. Last evaluated: 2023-03-24. Review status: criteria provided, single submitter. Criteria: GeneDx Variant Classification Process June 2021. Collection method: clinical testing. Allele origin: germline. Affected: yes.
Comment: In silico analysis supports that this missense variant has a deleterious effect on protein structure/function; Not observed in any cases, but was observed in unaffected controls from a melanoma study (Pritchard et al., 2018); This variant is associated with the following publications: (PMID: 11756419, 16324214, 29641532)

Genome-Nilou Lab
Classification: Uncertain significance for Neurofibromatosis, type 2. Last evaluated: 2021-11-07. Review status: criteria provided, single submitter. Criteria: ACMG Guidelines, 2015. Collection method: clinical testing. Allele origin: germline. Affected: no.

Literature cited by the submitters: PubMed 29641532 (cited by Ambry Genetics).

NM_000268.4(NF2):c.196T>A (p.Tyr66Asn)

Gene: NF2 (NF2, moesin-ezrin-radixin like (MERLIN) tumor suppressor; plus strand). Cytogenetic location: 22q12.2.
Variant type: single nucleotide variant.
Coding change: c.196T>A on transcript NM_000268.4 (MANE Select); coding-DNA position 196, T replaced by A.
Protein change: p.Tyr66Asn; replaces tyrosine 66 with asparagine.
Molecular consequence: missense variant. On other transcripts: non-coding transcript variant (1), intron variant (3).
Genome position (GRCh38, 1-based): chr22:29,636,832, T>A. VCF-style: chr22-29636832-T-A. GRCh37 (hg19) VCF-style: chr22-30032821-T-A.
Other names: c.196T>A, p.Tyr66Asn (NM_016418.5, NM_181825.3, NM_181829.3 and 2 more transcripts); c.115-2258T>A (NM_181828.3); c.115-5370T>A (NM_181830.3, NM_181831.3); short protein forms Y66N.
Identifiers: ClinVar variation 527688 (VCV000527688.16), dbSNP rs772274240, ClinGen allele CA030957.